The following is an entry in ClinVar:

NM_012079.6(DGAT1):c.961G>A (p.Glu321Lys)

Gene: DGAT1 (diacylglycerol O-acyltransferase 1; minus strand). Cytogenetic location: 8q24.3.
Variant type: single nucleotide variant.
Coding change: c.961G>A on transcript NM_012079.6 (MANE Select); coding-DNA position 961, G replaced by A.
Protein change: p.Glu321Lys; replaces glutamic acid 321 with lysine.
Molecular consequence: missense variant.
Genome position (GRCh38, 1-based): chr8:144,317,564, C>T on the plus strand (G>A on the coding strand, the complement: DGAT1 is on the minus strand). VCF-style: chr8-144317564-C-T. GRCh37 (hg19) VCF-style: chr8-145541227-C-T.
Other names: c.961G>A (NM_012079.4); short protein forms E321K.
Identifiers: ClinVar variation 1409188 (VCV001409188.5), dbSNP rs782473207, ClinGen allele CA4936743.

ClinVar aggregate classification (germline): Uncertain significance. Review status: criteria provided, multiple submitters, no conflicts (2 of 4 stars). 2 submissions from 2 submitters: Uncertain significance (2). Last evaluated 2024-08-29.

Conditions:
Inborn genetic diseases. Identifiers: MedGen C0950123, MeSH D030342.

Allele frequency attached by ClinVar (database versions not stated): gnomAD 0.00001; TOPMed 0.00007; ExAC 0.00016; gnomAD exomes 0.00018.

Submissions (2):

Labcorp Genetics (formerly Invitae), Labcorp
Classification: Uncertain significance. Last evaluated: 2024-08-29. Review status: criteria provided, single submitter. Criteria: Invitae Variant Classification Sherloc (09022015). Collection method: clinical testing. Allele origin: germline.
Comment: This sequence change replaces glutamic acid, which is acidic and polar, with lysine, which is basic and polar, at codon 321 of the DGAT1 protein (p.Glu321Lys). This variant is present in population databases (rs782473207, gnomAD 0.1%), including at least one homozygous and/or hemizygous individual. This variant has not been reported in the literature in individuals affected with DGAT1-related conditions. ClinVar contains an entry for this variant (Variation ID: 1409188). Invitae Evidence Modeling of protein sequence and biophysical properties (such as structural, functional, and spatial information, amino acid conservation, physicochemical variation, residue mobility, and thermodynamic stability) indicates that this missense variant is expected to disrupt DGAT1 protein function with a positive predictive value of 80%. In summary, the available evidence is currently insufficient to determine the role of this variant in disease. Therefore, it has been classified as a Variant of Uncertain Significance.

Ambry Genetics
Classification: Uncertain significance for Inborn genetic diseases. Last evaluated: 2021-07-20. Review status: criteria provided, single submitter. Criteria: Ambry Variant Classification Scheme 2023. Collection method: clinical testing. Allele origin: germline.